The following is an entry in ClinVar:

NM_003119.4(SPG7):c.1358C>T (p.Ala453Val)

Gene: SPG7 (SPG7 matrix AAA peptidase subunit, paraplegin; plus strand). Cytogenetic location: 16q24.3.
Variant type: single nucleotide variant.
Coding change: c.1358C>T on transcript NM_003119.4 (MANE Select); coding-DNA position 1358, C replaced by T.
Protein change: p.Ala453Val; replaces alanine 453 with valine.
Molecular consequence: missense variant.
Genome position (GRCh38, 1-based): chr16:89,544,681, C>T. VCF-style: chr16-89544681-C-T. GRCh37 (hg19) VCF-style: chr16-89611089-C-T.
Other names: c.1358C>T, p.Ala453Val (NM_001363850.1); short protein forms A453V.
Identifiers: ClinVar variation 2414939 (VCV002414939.6), dbSNP rs1321582945, ClinGen allele CA397425175.
Genomic context (GRCh38, chr16:89,544,681, plus strand): 5'-GAGCCACTGTCTGCTCTGTCCCCTCAGGAATGGGTACCACAGACCATGTCATCGTCCTGG[C>T]GTCCACGAACCGAGCTGACATTTTGGACGGTGCTCTGATGAGGCCAGGCCGACTGGACCG-3'
Protein context (NP_003110.1, residues 443-463): MGTTDHVIVL[Ala453Val]STNRADILDG

ClinVar aggregate classification (germline): Uncertain significance (1 of 4 stars; one submission).

Conditions:
Hereditary spastic paraplegia 7 (SPG7). Also called: SPG7-related neurologic disorder; Autosomal recessive spastic paraplegia type 7; SPASTIC PARAPLEGIA 7, AUTOSOMAL RECESSIVE, WITH OR WITHOUT CEREBELLAR ATAXIA; Spastic paraplegia 7; Hereditary spastic paraplegia Paraplegin type. Identifiers: Orphanet 99013, MedGen C1846564, MONDO:0011803, OMIM 607259.

Allele frequency attached by ClinVar (database versions not stated): TOPMed below 0.00001; gnomAD 0.00001; gnomAD exomes 0.00001.

Submission:

Labcorp Genetics (formerly Invitae), Labcorp
Classification: Uncertain significance for Hereditary spastic paraplegia 7. Last evaluated: 2022-10-13. Review status: criteria provided, single submitter. Criteria: Invitae Variant Classification Sherloc (09022015). Collection method: clinical testing. Allele origin: germline.
Comment: This variant is present in population databases (no rsID available, gnomAD 0.004%). In summary, the available evidence is currently insufficient to determine the role of this variant in disease. Therefore, it has been classified as a Variant of Uncertain Significance. Advanced modeling of protein sequence and biophysical properties (such as structural, functional, and spatial information, amino acid conservation, physicochemical variation, residue mobility, and thermodynamic stability) performed at Invitae indicates that this missense variant is expected to disrupt SPG7 protein function. This variant has not been reported in the literature in individuals affected with SPG7-related conditions. This sequence change replaces alanine, which is neutral and non-polar, with valine, which is neutral and non-polar, at codon 453 of the SPG7 protein (p.Ala453Val).